The following is an entry in ClinVar:

ClinVar aggregate classification (germline): Likely pathogenic. Review status: criteria provided, multiple submitters, no conflicts (2 of 4 stars). 4 submissions from 4 submitters: Likely pathogenic (3). 1 of the submissions does not count toward it. Last evaluated 2025-12-12.

Conditions:
Alstrom syndrome (ALMS). Identifiers: Orphanet 64, MedGen C0268425, MONDO:0008763, OMIM 203800.

Submissions (4):

Center for Molecular Medicine, Children’s Hospital of Fudan University
Classification: Likely pathogenic for Alstrom syndrome. Last evaluated: 2025-12-12. Review status: criteria provided, single submitter. Criteria: ACMG Guidelines 2015. Collection method: clinical testing. Allele origin: maternal.
Comment: PVS1+PM2_Supp

Labcorp Genetics (formerly Invitae), Labcorp
Classification: Likely pathogenic for Alstrom syndrome. Last evaluated: 2024-06-26. Review status: criteria provided, single submitter. Criteria: Invitae Variant Classification Sherloc (09022015). Collection method: clinical testing. Allele origin: germline.
Comment: This sequence change affects an acceptor splice site in intron 19 of the ALMS1 gene. It is expected to disrupt RNA splicing. Variants that disrupt the donor or acceptor splice site typically lead to a loss of protein function (PMID: 16199547), and loss-of-function variants in ALMS1 are known to be pathogenic (PMID: 17594715). This variant is not present in population databases (gnomAD no frequency). This variant has not been reported in the literature in individuals affected with ALMS1-related conditions. ClinVar contains an entry for this variant (Variation ID: 847466). Algorithms developed to predict the effect of sequence changes on RNA splicing suggest that this variant may disrupt the consensus splice site. In summary, the currently available evidence indicates that the variant is pathogenic, but additional data are needed to prove that conclusively. Therefore, this variant has been classified as Likely Pathogenic.

Juno Genomics, Hangzhou Juno Genomics, Inc
Classification: Likely pathogenic for Alstrom syndrome. Review status: criteria provided, single submitter. Criteria: ACMG Guidelines, 2015. Collection method: clinical testing. Allele origin: germline.
Comment: Null variant in a gene where loss of function (LOF) is a known mechanism of disease.;Absent from controls (or at extremely low frequency if recessive) in Genome Aggregation Database.

Natera, Inc.
Classification: Likely pathogenic for Alstrom syndrome. Last evaluated: 2020-09-16. Review status: no assertion criteria provided. Collection method: clinical testing. Allele origin: germline. Not counted in ClinVar's aggregate classification.

Literature cited by the submitters: PubMed 16199547 (cited by Labcorp Genetics (formerly Invitae), Labcorp); PubMed 17594715 (cited by Labcorp Genetics (formerly Invitae), Labcorp).

NM_001378454.1(ALMS1):c.12115-2A>T

Genes: ALMS1 (ALMS1 centrosome and basal body associated protein; plus strand), LOC126806252 (BRD4-independent group 4 enhancer GRCh37_chr2:73828496-73829695; plus strand). Cytogenetic location: 2p13.1.
Variant type: single nucleotide variant.
Coding change: c.12115-2A>T on transcript NM_001378454.1 (MANE Select); the canonical splice acceptor site of the intron before coding-DNA position 12115, A replaced by T.
Molecular consequence: splice acceptor variant.
Genome position (GRCh38, 1-based): chr2:73,602,183, A>T. VCF-style: chr2-73602183-A-T. GRCh37 (hg19) VCF-style: chr2-73829310-A-T.
Other names: c.12118-2A>T (NM_015120.4); c.12115-2A>T (NM_015120.4).
Identifiers: ClinVar variation 847466 (VCV000847466.15), dbSNP rs1394193524, ClinGen allele CA347267565.